The following is an entry in ClinVar:

ClinVar aggregate classification (germline): Uncertain significance (1 of 4 stars; one submission).

Allele frequency attached by ClinVar (database versions not stated): TOPMed below 0.00001; ExAC 0.00001; gnomAD exomes 0.00001.
gnomAD v4.1: 13 of 1,558,898 alleles (0.00083%); highest among the groups gnomAD compares: Non-Finnish European, 0.0012%; no homozygotes.

Submission:

Labcorp Genetics (formerly Invitae), Labcorp
Classification: Uncertain significance. Last evaluated: 2022-07-19. Review status: criteria provided, single submitter. Criteria: Invitae Variant Classification Sherloc (09022015). Collection method: clinical testing. Allele origin: germline.
Comment: This variant is present in population databases (rs765067110, gnomAD 0.002%). This sequence change replaces leucine, which is neutral and non-polar, with phenylalanine, which is neutral and non-polar, at codon 281 of the IL12RB2 protein (p.Leu281Phe). This variant has not been reported in the literature in individuals affected with IL12RB2-related conditions. In summary, the available evidence is currently insufficient to determine the role of this variant in disease. Therefore, it has been classified as a Variant of Uncertain Significance. Algorithms developed to predict the effect of missense changes on protein structure and function are either unavailable or do not agree on the potential impact of this missense change (SIFT: "Deleterious"; PolyPhen-2: "Possibly Damaging"; Align-GVGD: "Class C0"). ClinVar contains an entry for this variant (Variation ID: 1417591).

NM_001374259.2(IL12RB2):c.843G>T (p.Leu281Phe)

Gene: IL12RB2 (interleukin 12 receptor subunit beta 2; plus strand). Cytogenetic location: 1p31.3.
Variant type: single nucleotide variant.
Coding change: c.843G>T on transcript NM_001374259.2 (MANE Select); coding-DNA position 843, G replaced by T.
Protein change: p.Leu281Phe; replaces leucine 281 with phenylalanine.
Molecular consequence: missense variant. On other transcripts: non-coding transcript variant (2).
Genome position (GRCh38, 1-based): chr1:67,330,695, G>T. VCF-style: chr1-67330695-G-T. GRCh37 (hg19) VCF-style: chr1-67796378-G-T.
Other names: c.843G>T, p.Leu281Phe (NM_001258214.1, NM_001258215.1, NM_001258216.1 and 2 more transcripts); short protein forms L281F.
Identifiers: ClinVar variation 1417591 (VCV001417591.6), dbSNP rs765067110, ClinGen allele CA900319.